The following is an entry in ClinVar:

ClinVar aggregate classification (germline): Conflicting classifications of pathogenicity. Review status: criteria provided, conflicting classifications (1 of 4 stars). 5 submissions from 5 submitters: Likely pathogenic (1); Uncertain significance (4). Last evaluated 2026-05-21.

Conditions:
HNF1B-related disorder. Also called: HNF1B-related condition; HNF1B-related disorders.
Renal cysts and diabetes syndrome (RCAD). Also called: Familial hypoplastic, glomerulocystic kidney; MATURITY-ONSET DIABETES OF THE YOUNG, TYPE 5. Identifiers: Orphanet 93111, MedGen C0431693, MONDO:0007669, OMIM 137920.

gnomAD v4.1: 4 of 1,614,104 alleles (0.00025%); highest among the groups gnomAD compares: Admixed American, 0.005%; no homozygotes.

Submissions (5):

PreventionGenetics, part of Exact Sciences
Classification: Uncertain significance for HNF1B-related condition. Last evaluated: 2026-05-21. Review status: criteria provided, single submitter. Criteria: ACMG Guidelines, 2015. Collection method: clinical testing. Allele origin: germline.
Comment: The HNF1B c.949G>T variant is predicted to result in the amino acid substitution p.Ala317Ser. To our knowledge, this variant has not been reported in the literature. This variant is reported in 0.0087% of alleles in individuals of Latino descent in gnomAD. At this time, the clinical significance of this variant is uncertain due to the absence of conclusive functional and genetic evidence.

Labcorp Genetics (formerly Invitae), Labcorp
Classification: Uncertain significance. Last evaluated: 2026-01-12. Review status: criteria provided, single submitter. Criteria: Invitae Variant Classification Sherloc (09022015). Collection method: clinical testing. Allele origin: germline.
Comment: This sequence change replaces alanine, which is neutral and non-polar, with serine, which is neutral and polar, at codon 317 of the HNF1B protein (p.Ala317Ser). This variant is present in population databases (rs193922492, gnomAD 0.009%). This variant has not been reported in the literature in individuals affected with HNF1B-related conditions. ClinVar contains an entry for this variant (Variation ID: 36854). Invitae Evidence Modeling of protein sequence and biophysical properties (such as structural, functional, and spatial information, amino acid conservation, physicochemical variation, residue mobility, and thermodynamic stability) indicates that this missense variant is not expected to disrupt HNF1B protein function with a negative predictive value of 80%. In summary, the available evidence is currently insufficient to determine the role of this variant in disease. Therefore, it has been classified as a Variant of Uncertain Significance.

Broad Center for Mendelian Genomics, Broad Institute of MIT and Harvard
Classification: Uncertain significance for Renal cysts and diabetes syndrome. Last evaluated: 2020-01-22. Review status: criteria provided, single submitter. Criteria: ACMG Guidelines, 2015. Collection method: curation. Allele origin: germline. Inheritance: Autosomal dominant inheritance.
Comment: The p.Ala317Ser variant in HNF1B has been reported in at least 1 individual with Renal Cysts and Diabetes Syndrome in ClinVar (Variation ID: 36854), and has been identified in 0.008674% (3/34588) of Latino chromosomes by the Genome Aggregation Database (gnomAD; dbSNP rs193922492). Although this variant has been seen in the general population, its frequency is low enough to be consistent with a carrier frequency. Please note that for diseases with clinical variability, or reduced penetrance, pathogenic variants may be present at a low frequency in the general population. Computational prediction tools and conservation analyses suggest that this variant may impact the protein, though this information is not predictive enough to determine pathogenicity. This variant has also been reported likely pathogenic in ClinVar (Variation ID: 36854). In summary, the clinical significance of the p.Ala317Ser variant is uncertain. ACMG/AMP Criteria applied: PM2_Supporting, PP3 (Richards 2015).

Institute of Human Genetics, FAU Erlangen, Friedrich-Alexander-Universität Erlangen-Nürnberg
Classification: Uncertain significance for Renal cysts and diabetes syndrome. Last evaluated: 2019-07-06. Review status: criteria provided, single submitter. Criteria: ACMG Guidelines, 2015. Collection method: literature only. Allele origin: germline. Affected: yes.
Comment: This variant and it's classification has been reported by Vasileiou et al. 2019; DOI:10.1101/576918. The variants has previously been reported in ClinVar:36854 as "NM_000458.3(HNF1B):c.949G>T (p.Ala317Ser)" with clinical significance Likely pathogenic. It has been re-classified using InterVar and manual curation as Uncertain significance based on PM1 PP3 PP5.

Women's Health and Genetics/Laboratory Corporation of America, LabCorp
Classification: Likely pathogenic for MODY5. Last evaluated: 2011-08-18. Review status: criteria provided, single submitter. Criteria: LabCorp Variant Classification Summary - May 2015. Collection method: curation, clinical testing. Allele origin: germline. Inheritance: autosomal unknown. Affected: yes.
ClinVar note: Converted during submission from likely pathogenic to Likely pathogenic.

Literature cited by the submitters: DOI 10.1101/576918 (cited by Institute of Human Genetics, FAU Erlangen, Friedrich-Alexander-Universität Erlangen-Nürnberg).

NM_000458.4(HNF1B):c.949G>T (p.Ala317Ser)

Gene: HNF1B (HNF1 homeobox B; minus strand). Cytogenetic location: 17q12.
Variant type: single nucleotide variant.
Coding change: c.949G>T on transcript NM_000458.4 (MANE Select); coding-DNA position 949, G replaced by T.
Protein change: p.Ala317Ser; replaces alanine 317 with serine.
Molecular consequence: missense variant.
Genome position (GRCh38, 1-based): chr17:37,731,691, C>A on the plus strand (G>T on the coding strand, the complement: HNF1B is on the minus strand). VCF-style: chr17-37731691-C-A. GRCh37 (hg19) VCF-style: chr17-36091682-C-A.
Other names: c.871G>T, p.Ala291Ser (NM_001165923.4, NM_001304286.2); short protein forms A317S, A291S.
Identifiers: ClinVar variation 36854 (VCV000036854.15), dbSNP rs193922492, ClinGen allele CA214369.